The following is an entry in ClinVar:

ClinVar aggregate classification (germline): Uncertain significance (1 of 4 stars; one submission).

gnomAD v4.1: 3 of 1,613,858 alleles (0.00019%); highest among the groups gnomAD compares: South Asian, 0.0011%; no homozygotes.

Submission:

Centre of Medical Genetics, University Hospital Muenster
Classification: Uncertain significance. Last evaluated: 2023-04-12. Review status: criteria provided, single submitter. Criteria: ACMG Guidelines, 2015. Collection method: clinical testing. Allele origin: unknown. Affected: yes. Observed: 1 variant allele.
Comment: ACMG categories: PM2

NM_005121.3(MED13):c.4322G>C (p.Gly1441Ala)

Gene: MED13 (mediator complex subunit 13; minus strand). Cytogenetic location: 17q23.2.
Variant type: single nucleotide variant.
Coding change: c.4322G>C on transcript NM_005121.3 (MANE Select); coding-DNA position 4322, G replaced by C.
Protein change: p.Gly1441Ala; replaces glycine 1441 with alanine.
Molecular consequence: missense variant.
Genome position (GRCh38, 1-based): chr17:61,966,521, C>G on the plus strand (G>C on the coding strand, the complement: MED13 is on the minus strand). VCF-style: chr17-61966521-C-G. GRCh37 (hg19) VCF-style: chr17-60043882-C-G.
Other names: short protein forms G1441A.
Identifiers: ClinVar variation 2504151 (VCV002504151.2), dbSNP rs2509246185, ClinGen allele CA400497613.
Genomic context (GRCh38, chr17:61,966,521, plus strand): 5'-CCTAGGTCATATCTGCAGACTTGTGCATAAAGCTTGAGTTTAGAAAATGCTTCATTGTTA[C>G]CGTCAGCTGCCTGAGAAAACCATTCTGCTACCAACTTTTCTGATAGTTTCTTTGATGCAG-3'
Protein context (NP_005112.2, residues 1431-1451): VAEWFSQAAD[Gly1441Ala]NNEAFSKLKL